The following is an entry in ClinVar:

NM_000937.5(POLR2A):c.3230A>G (p.Asn1077Ser)

Gene: POLR2A (RNA polymerase II subunit A; plus strand). Cytogenetic location: 17p13.1.
Variant type: single nucleotide variant.
Coding change: c.3230A>G on transcript NM_000937.5 (MANE Select); coding-DNA position 3230, A replaced by G.
Protein change: p.Asn1077Ser; replaces asparagine 1077 with serine.
Molecular consequence: missense variant.
Genome position (GRCh38, 1-based): chr17:7,503,781, A>G. VCF-style: chr17-7503781-A-G. GRCh37 (hg19) VCF-style: chr17-7407100-A-G.
Other names: short protein forms N1077S.
Identifiers: ClinVar variation 5027155 (VCV005027155.1).
Genomic context (GRCh38, chr17:7,503,781, plus strand): 5'-AGTTTCGGCTCAGTGGGGAGGCCTTCGACTGGCTGCTTGGGGAGATTGAGTCCAAGTTCA[A>G]CCAAGCCATTGTGAGTGTTGTGCTCTTCACAGCAGTCTTCTTTTCCTCCTTTTACCTGTT-3'
Protein context (NP_000928.1, residues 1067-1087): WLLGEIESKF[Asn1077Ser]QAIAHPGEMV

ClinVar aggregate classification (germline): Uncertain significance (1 of 4 stars; one submission).

Conditions:
Inborn genetic diseases. Identifiers: MedGen C0950123, MeSH D030342.

Submission:

Ambry Genetics
Classification: Uncertain significance for Inborn genetic diseases. Last evaluated: 2026-07-13. Review status: criteria provided, single submitter. Criteria: Ambry Variant Classification Scheme 2023. Collection method: clinical testing. Allele origin: germline.
Comment: The c.3230A>G (p.N1077S) alteration is located in exon 19 (coding exon 19) of the POLR2A gene. This alteration results from a A to G substitution at nucleotide position 3230, causing the asparagine (N) at amino acid position 1077 to be replaced by a serine (S). Based on data from gnomAD, the G allele has an overall frequency of 0.001% (4/279476) total alleles studied. The highest observed frequency was 0.005% (1/19856) of East Asian alleles. Based on insufficient or conflicting evidence, the clinical significance of this alteration remains unclear.